The following is an entry in ClinVar:

ClinVar aggregate classification (germline): Uncertain significance. Review status: reviewed by expert panel (3 of 4 stars). 5 submissions from 5 submitters: Uncertain significance (1). 4 of the submissions do not count toward it. Last evaluated 2024-09-26.

Conditions:
Monogenic diabetes. Identifiers: Orphanet 183625, MedGen C3888631, MONDO:0015967.
Maturity-onset diabetes of the young type 1. Also called: MILD JUVENILE DIABETES MELLITUS; MODY, type I; MODY type 1; Diabetes mellitus MODY type 1; MODY HNF4A related; HNF4A-Related Maturity-Onset Diabetes of the Young Type 1. Identifiers: Orphanet 552, MedGen C1852093, MONDO:0007452, OMIM 125850. Disease mechanism: loss of function.
Fanconi renotubular syndrome 4 with maturity-onset diabetes of the young (FRTS4). Also called: FRTS4 WITH MODY. Identifiers: Orphanet 93111, MedGen C4014962, MONDO:0014458, OMIM 616026.
Type 2 diabetes mellitus. Also called: Type II diabetes mellitus. Identifiers: MedGen C0011860, MeSH D003924, MONDO:0005148, OMIM 125853, HP:0005978.
Maturity-onset diabetes of the young (MODY). Also called: Maturity onset diabetes mellitus in young. Identifiers: Orphanet 552, MedGen C0342276, MONDO:0018911, HP:0004904.

Allele frequency attached by ClinVar (database versions not stated): ExAC 0.00001; gnomAD 0.00001; gnomAD exomes 0.00001; TOPMed 0.00002; ESP Exome Variant Server 0.00008.
gnomAD v4.1: 11 of 1,612,938 alleles (0.00068%); highest among the groups gnomAD compares: East Asian, 0.0045%; no homozygotes.

Submissions (5):

ClinGen Monogenic Diabetes Variant Curation Expert Panel
Classification: Uncertain significance for Monogenic diabetes. Last evaluated: 2024-09-26. Review status: reviewed by expert panel. Criteria: ClinGen Diabetes ACMG Specifications HNF4A V2.0.0. Collection method: curation. Allele origin: germline. Inheritance: Autosomal dominant inheritance.
Comment: The c.844G>A variant in the hepatocyte nuclear factor 4 alpha gene, HNF4A, causes an amino acid change of aspartate to asparagine at codon 282 (p.(Asp282Asn)) of NM_175914.5. This variant has a gnomAD v2.1.1 Grpmax minor filtering allele frequency of 0.000003000 (equal to the MDEP threshold of 0.000003), however, it has 3 copies in the European non-Finnish population (over the MDEP threshold of 2); therefore, this variant does not meet the ClinGen MDEP-established cutoff for PM2_Supporting. This variant has a REVEL score of 0.42, which is between the ClinGen MDEP thresholds for BP4 and PP3, predicting neither a damaging nor benign impact on HNF4A function. This variant was identified in an individual with diabetes; however, the MODY probability is unable to be calculated due to a lack of clinical information (PMID: 27913849). In summary, c.844G>A meets the criteria to be classified as uncertain significance for monogenic diabetes. ACMG/AMP criteria applied, as specified by the ClinGen MDEP (specification version 2.0.0, approved 10/11/2023): no criteria met.

Fulgent Genetics
Classification: Uncertain significance for Maturity-onset diabetes of the young type 1; Type 2 diabetes mellitus; Fanconi renotubular syndrome 4 with maturity-onset diabetes of the young. Last evaluated: 2021-07-07. Review status: criteria provided, single submitter. Criteria: ACMG Guidelines, 2015. Collection method: clinical testing. Allele origin: unknown. Not counted in ClinVar's aggregate classification.

Ambry Genetics
Classification: Uncertain significance for Maturity-onset diabetes of the young. Last evaluated: 2020-01-06. Review status: criteria provided, single submitter. Criteria: Ambry Variant Classification Scheme 2023. Collection method: clinical testing. Allele origin: germline. Not counted in ClinVar's aggregate classification.
Comment: The p.D282N variant (also known as c.844G>A), located in coding exon 8 of the HNF4A gene, results from a G to A substitution at nucleotide position 844. The aspartic acid at codon 282 is replaced by asparagine, an amino acid with highly similar properties. This variant was identified in one antibody positive individual in the Norwegian Childhood Diabetes Registry (Johansson BB et al. Diabetologia, 2017 04;60:625-635). This amino acid position is highly conserved in available vertebrate species. In addition, the in silico prediction for this alteration is inconclusive. Based on available evidence to date, the clinical significance of this alteration remains unclear.

Athena Diagnostics
Classification: Uncertain significance. Last evaluated: 2017-03-21. Review status: criteria provided, single submitter. Criteria: Athena Diagnostics Criteria. Collection method: clinical testing. Allele origin: germline. Not counted in ClinVar's aggregate classification.

Personalized Diabetes Medicine Program, University of Maryland School of Medicine
Classification: Uncertain significance for Monogenic diabetes. Last evaluated: 2016-02-03. Review status: criteria provided, single submitter. Criteria: ACMG Guidelines, 2015. Collection method: research. Allele origin: unknown. Observed: 1 variant allele, 1 heterozygote. Not counted in ClinVar's aggregate classification.
Comment: ACMG Criteria: PP3, BP4

Literature cited by the submitters: PubMed 27913849 (cited by Ambry Genetics).

NM_175914.5(HNF4A):c.844G>A (p.Asp282Asn)

Gene: HNF4A (hepatocyte nuclear factor 4 alpha; plus strand). Cytogenetic location: 20q13.12.
Variant type: single nucleotide variant.
Coding change: c.844G>A on transcript NM_175914.5 (MANE Select); coding-DNA position 844, G replaced by A.
Protein change: p.Asp282Asn; replaces aspartic acid 282 with asparagine.
Molecular consequence: missense variant.
Genome position (GRCh38, 1-based): chr20:44,424,035, G>A. VCF-style: chr20-44424035-G-A. GRCh37 (hg19) VCF-style: chr20-43052675-G-A.
Other names: NM_175914.5(HNF4A):c.844G>A; p.Asp282Asn; c.910G>A, p.Asp304Asn (NM_000457.6, NM_178849.3, NM_178850.3); c.844G>A, p.Asp282Asn (NM_001030003.3, NM_001030004.3); c.889G>A, p.Asp297Asn (NM_001258355.2); c.835G>A, p.Asp279Asn (NM_001287182.2, NM_001287183.2, NM_001287184.2); c.844G>A (NM_175914.4); short protein forms D279N, D282N, D304N, D297N.
Identifiers: ClinVar variation 393444 (VCV000393444.6), dbSNP rs145902391, ClinGen allele CA9870393.